The following is an entry in ClinVar:

ClinVar aggregate classification (germline): Uncertain significance (1 of 4 stars; one submission).

gnomAD v4.1: 16 of 1,594,184 alleles (0.001%); highest among the groups gnomAD compares: South Asian, 0.011%; no homozygotes.

Submission:

Mayo Clinic Laboratories, Mayo Clinic
Classification: Uncertain significance. Last evaluated: 2025-08-07. Review status: criteria provided, single submitter. Criteria: ACMG Guidelines, 2015. Collection method: clinical testing. Allele origin: germline. Observed: 1 variant allele.
Comment: BP4, PM2_supporting

NM_198076.6(COX20):c.55C>G (p.Leu19Val)

Gene: COX20 (cytochrome c oxidase assembly factor COX20; plus strand). Cytogenetic location: 1q44.
Variant type: single nucleotide variant.
Coding change: c.55C>G on transcript NM_198076.6 (MANE Select); coding-DNA position 55, C replaced by G.
Protein change: p.Leu19Val; replaces leucine 19 with valine.
Molecular consequence: missense variant. On other transcripts: non-coding transcript variant (1), intron variant (1).
Genome position (GRCh38, 1-based): chr1:244,841,956, C>G. VCF-style: chr1-244841956-C-G. GRCh37 (hg19) VCF-style: chr1-245005258-C-G.
Other names: p.Leu19Val; c.55C>G, p.Leu19Val (NM_001312871.1, NM_001312874.1); c.91C>G, p.Leu31Val (NM_001312872.1); c.23-239C>G (NM_001312873.1); short protein forms L19V, L31V.
Identifiers: ClinVar variation 4542527 (VCV004542527.1).